The following is an entry in ClinVar:

NM_000321.3(RB1):c.1921C>A (p.Pro641Thr)

Gene: RB1 (RB transcriptional corepressor 1; plus strand). Cytogenetic location: 13q14.2.
Variant type: single nucleotide variant.
Coding change: c.1921C>A on transcript NM_000321.3 (MANE Select); coding-DNA position 1921, C replaced by A.
Protein change: p.Pro641Thr; replaces proline 641 with threonine.
Molecular consequence: missense variant.
Genome position (GRCh38, 1-based): chr13:48,456,310, C>A. VCF-style: chr13-48456310-C-A. GRCh37 (hg19) VCF-style: chr13-49030446-C-A.
Other names: c.1921C>A, p.Pro641Thr (NM_001407165.1); short protein forms P641T.
Identifiers: ClinVar variation 5027931 (VCV005027931.1).
Genomic context (GRCh38, chr13:48,456,310, plus strand): 5'-CGTGTAAATTCTACTGCAAATGCAGAGACACAAGCAACCTCAGCCTTCCAGACCCAGAAG[C>A]CATTGAAATCTACCTCTCTTTCACTGTTTTATAAAAAAGGTTAGTAGATGATTATTTTCA-3'
Protein context (NP_000312.2, residues 631-651): QATSAFQTQK[Pro641Thr]LKSTSLSLFY

ClinVar aggregate classification (germline): Uncertain significance (1 of 4 stars; one submission).

Conditions:
Hereditary cancer-predisposing syndrome. Also called: Neoplastic Syndromes, Hereditary; Tumor predisposition; Hereditary neoplastic syndrome; Hereditary Cancer Syndrome. Identifiers: Orphanet 140162, MedGen C0027672, MeSH D009386, MONDO:0015356.

Submission:

Ambry Genetics
Classification: Uncertain significance for Hereditary cancer-predisposing syndrome. Last evaluated: 2026-07-06. Review status: criteria provided, single submitter. Criteria: Ambry Variant Classification Scheme 2023. Collection method: clinical testing. Allele origin: germline.
Comment: The p.P641T variant (also known as c.1921C>A), located in coding exon 19 of the RB1 gene, results from a C to A substitution at nucleotide position 1921. The proline at codon 641 is replaced by threonine, an amino acid with highly similar properties. This amino acid position is conserved. In addition, the in silico prediction for this alteration is inconclusive. Based on the available evidence, the clinical significance of this variant remains unclear.